The following is an entry in ClinVar:

ClinVar aggregate classification (germline): Pathogenic/Likely pathogenic. Review status: criteria provided, multiple submitters, no conflicts (2 of 4 stars). 3 submissions from 3 submitters: Pathogenic (1); Likely pathogenic (1). 1 of the submissions does not count toward it. Last evaluated 2024-03-29.

Conditions:
Cerebrooculofacioskeletal syndrome 2 (COFS2). Identifiers: MedGen C1853102, MONDO:0012553, OMIM 610756.
Malignant tumor of urinary bladder. Also called: Urinary bladder cancer; Bladder cancer; Urinary Bladder Neoplasms. Identifiers: MedGen C0005684, MONDO:0001187, OMIM 109800.

Allele frequency attached by ClinVar (database versions not stated): gnomAD exomes below 0.00001.
gnomAD v4.1: 2 of 1,614,060 alleles (0.00012%); highest among the groups gnomAD compares: Non-Finnish European, 0.00017%; no homozygotes.

Submissions (3):

Baylor Genetics
Classification: Likely pathogenic for Cerebrooculofacioskeletal syndrome 2. Last evaluated: 2024-03-29. Review status: criteria provided, single submitter. Criteria: ACMG Guidelines, 2015. Collection method: clinical testing. Allele origin: unknown.

Labcorp Genetics (formerly Invitae), Labcorp
Classification: Pathogenic. Last evaluated: 2023-08-29. Review status: criteria provided, single submitter. Criteria: Invitae Variant Classification Sherloc (09022015). Collection method: clinical testing. Allele origin: germline.
Comment: This sequence change creates a premature translational stop signal (p.Gln543*) in the ERCC2 gene. It is expected to result in an absent or disrupted protein product. Loss-of-function variants in ERCC2 are known to be pathogenic (PMID: 9238033, 11335038, 19085937, 19934020). For these reasons, this variant has been classified as Pathogenic. This variant has not been reported in the literature in individuals affected with ERCC2-related conditions. This variant is present in population databases (no rsID available, gnomAD 0.0009%).

Laboratory of Urology, Hospital Clinic de Barcelona
Classification: Pathogenic for Malignant tumor of urinary bladder. Review status: no assertion criteria provided. Collection method: research. Allele origin: somatic. Affected: yes. Not counted in ClinVar's aggregate classification.

Literature cited by the submitters: PubMed 9238033 (cited by Labcorp Genetics (formerly Invitae), Labcorp); PubMed 11335038 (cited by Labcorp Genetics (formerly Invitae), Labcorp); PubMed 19085937 (cited by Labcorp Genetics (formerly Invitae), Labcorp); PubMed 19934020 (cited by Labcorp Genetics (formerly Invitae), Labcorp).

NM_000400.4(ERCC2):c.1627C>T (p.Gln543Ter)

Gene: ERCC2 (ERCC excision repair 2, TFIIH core complex helicase subunit; minus strand). Cytogenetic location: 19q13.32.
Variant type: single nucleotide variant.
Coding change: c.1627C>T on transcript NM_000400.4 (MANE Select); coding-DNA position 1627, C replaced by T.
Protein change: p.Gln543Ter; replaces glutamine 543 with a stop codon.
Molecular consequence: nonsense.
Genome position (GRCh38, 1-based): chr19:45,354,768, G>A on the plus strand (C>T on the coding strand, the complement: ERCC2 is on the minus strand). VCF-style: chr19-45354768-G-A. GRCh37 (hg19) VCF-style: chr19-45858026-G-A.
Other names: short protein forms Q543*.
Identifiers: ClinVar variation 2582251 (VCV002582251.5), dbSNP rs866704383, ClinGen allele CA308954682.
Genomic context (GRCh38, chr19:45,354,768, plus strand): 5'-GGGAGGGGGTGGCCAGGCGTACCTGCTCATACCAGGAGGCCACGGTGCTCTCCATGTACT[G>A]GTAGCTGGTGAAGAAGGCCACGATGCCATCAGGGACCACAGCGGACATCTCCAGCAGGAG-3'